The following is an entry in ClinVar:

NM_001048174.2(MUTYH):c.1066G>T (p.Gly356Trp)

Gene: MUTYH (mutY DNA glycosylase; minus strand). Cytogenetic location: 1p34.1.
Variant type: single nucleotide variant.
Coding change: c.1066G>T on transcript NM_001048174.2 (MANE Select); coding-DNA position 1066, G replaced by T.
Protein change: p.Gly356Trp; replaces glycine 356 with tryptophan.
Molecular consequence: missense variant. On other transcripts: non-coding transcript variant (7).
Genome position (GRCh38, 1-based): chr1:45,331,697, C>A on the plus strand (G>T on the coding strand, the complement: MUTYH is on the minus strand). VCF-style: chr1-45331697-C-A. GRCh37 (hg19) VCF-style: chr1-45797369-C-A.
Other names: c.1099G>T, p.Gly367Trp (NM_001293191.2, NM_001407069.1, NM_001407077.1); c.790G>T, p.Gly264Trp (NM_001293192.2, NM_001293196.2, NM_001407091.1); c.1066G>T, p.Gly356Trp (NM_001293195.2, NM_001407070.1, NM_001407088.1 and 6 more transcripts); c.721G>T, p.Gly241Trp (NM_001350650.2, NM_001350651.2, NM_001407082.1); c.1069G>T, p.Gly357Trp (NM_001407071.1, NM_001407086.1, NM_001048172.2 and 1 more transcripts); c.1108G>T, p.Gly370Trp (NM_001407085.1, NM_001407083.1); c.1087G>T, p.Gly363Trp (NM_001407087.1); c.1141G>T, p.Gly381Trp (NM_012222.3); and 5 more; short protein forms G342W, G363W, G381W, G384W, G264W, G328W, G343W, G357W.
Identifiers: ClinVar variation 4113058 (VCV004113058.1).

ClinVar aggregate classification (germline): Uncertain significance (1 of 4 stars; one submission).

Conditions:
Hereditary cancer-predisposing syndrome. Also called: Tumor predisposition; Neoplastic Syndromes, Hereditary; Hereditary neoplastic syndrome; Hereditary Cancer Syndrome. Identifiers: Orphanet 140162, MedGen C0027672, MeSH D009386, MONDO:0015356.

Submission:

Ambry Genetics
Classification: Uncertain significance for Hereditary cancer-predisposing syndrome. Last evaluated: 2025-08-27. Review status: criteria provided, single submitter. Criteria: Ambry Variant Classification Scheme 2023. Collection method: clinical testing. Allele origin: germline.
Comment: The p.G384W variant (also known as c.1150G>T), located in coding exon 12 of the MUTYH gene, results from a G to T substitution at nucleotide position 1150. The glycine at codon 384 is replaced by tryptophan, an amino acid with highly dissimilar properties. This amino acid position is conserved. In addition, the in silico prediction for this alteration is inconclusive. Based on the available evidence, the clinical significance of this variant remains unclear.